The following is an entry in ClinVar:

NM_000532.5(PCCB):c.620C>T (p.Ser207Phe)

Gene: PCCB (propionyl-CoA carboxylase subunit beta; plus strand). Cytogenetic location: 3q22.3.
Variant type: single nucleotide variant.
Coding change: c.620C>T on transcript NM_000532.5 (MANE Select); coding-DNA position 620, C replaced by T.
Protein change: p.Ser207Phe; replaces serine 207 with phenylalanine.
Molecular consequence: missense variant.
Genome position (GRCh38, 1-based): chr3:136,283,913, C>T. VCF-style: chr3-136283913-C-T. GRCh37 (hg19) VCF-style: chr3-136002755-C-T.
Other names: c.680C>T, p.Ser227Phe (NM_001178014.2); short protein forms S207F, S227F.
Identifiers: ClinVar variation 550842 (VCV000550842.10), dbSNP rs1553777582, ClinGen allele CA354641917.

ClinVar aggregate classification (germline): Uncertain significance. Review status: criteria provided, single submitter (1 of 4 stars). 2 submissions from 2 submitters: Uncertain significance (1). 1 of the submissions does not count toward it. Last evaluated 2025-05-11.

Conditions:
Propionic acidemia (PROP). Also called: GLYCINEMIA, KETOTIC; HYPERGLYCINEMIA WITH KETOACIDOSIS AND LEUKOPENIA; KETOTIC HYPERGLYCINEMIA. Identifiers: Orphanet 35, MedGen C0268579, MONDO:0011628, OMIM 606054, HP:0003571.

Allele frequency attached by ClinVar (database versions not stated): gnomAD exomes below 0.00001.
gnomAD v4.1: 3 of 1,612,934 alleles (0.00019%); highest among the groups gnomAD compares: East Asian, 0.0045%; no homozygotes.

Submissions (2):

Labcorp Genetics (formerly Invitae), Labcorp
Classification: Uncertain significance for Propionic acidemia. Last evaluated: 2025-05-11. Review status: criteria provided, single submitter. Criteria: Invitae Variant Classification Sherloc (09022015). Collection method: clinical testing. Allele origin: germline.
Comment: This sequence change replaces serine, which is neutral and polar, with phenylalanine, which is neutral and non-polar, at codon 207 of the PCCB protein (p.Ser207Phe). This variant is not present in population databases (gnomAD no frequency). This missense change has been observed in individual(s) with propionic acidemia (PMID: 22033733; internal data). ClinVar contains an entry for this variant (Variation ID: 550842). Invitae Evidence Modeling of protein sequence and biophysical properties (such as structural, functional, and spatial information, amino acid conservation, physicochemical variation, residue mobility, and thermodynamic stability) indicates that this missense variant is expected to disrupt PCCB protein function with a positive predictive value of 95%. In summary, the available evidence is currently insufficient to determine the role of this variant in disease. Therefore, it has been classified as a Variant of Uncertain Significance.

Counsyl
Classification: Uncertain significance for Propionic acidemia. Last evaluated: 2017-02-24. Review status: no assertion criteria provided. Collection method: clinical testing. Allele origin: unknown. Not counted in ClinVar's aggregate classification.

Literature cited by the submitters: PubMed 22033733 (cited by Labcorp Genetics (formerly Invitae), Labcorp and Counsyl).